The following is an entry in ClinVar:

NM_005245.4(FAT1):c.11318G>A (p.Arg3773His)

Genes: FAT1 (FAT atypical cadherin 1; minus strand), LOC126807254 (BRD4-independent group 4 enhancer GRCh37_chr4:187524269-187525468; plus strand). Cytogenetic location: 4q35.2.
Variant type: single nucleotide variant.
Coding change: c.11318G>A on transcript NM_005245.4 (MANE Select); coding-DNA position 11318, G replaced by A.
Protein change: p.Arg3773His; replaces arginine 3773 with histidine.
Molecular consequence: missense variant.
Genome position (GRCh38, 1-based): chr4:186,603,208, C>T on the plus strand (G>A on the coding strand, the complement: FAT1 is on the minus strand). VCF-style: chr4-186603208-C-T. GRCh37 (hg19) VCF-style: chr4-187524362-C-T.
Other names: c.11318G>A (NM_005245.3); short protein forms R3773H.
Identifiers: ClinVar variation 2062695 (VCV002062695.5), dbSNP rs766902640, ClinGen allele CA3165151.

ClinVar aggregate classification (germline): Uncertain significance. Review status: criteria provided, multiple submitters, no conflicts (2 of 4 stars). 2 submissions from 2 submitters: Uncertain significance (2). Last evaluated 2025-06-16.

Conditions:
Inborn genetic diseases. Identifiers: MedGen C0950123, MeSH D030342.

Allele frequency attached by ClinVar (database versions not stated): gnomAD exomes 0.00001; gnomAD 0.00003; ExAC 0.00003.
gnomAD v4.1: 26 of 1,613,452 alleles (0.0016%); highest among the groups gnomAD compares: East Asian, 0.027%; no homozygotes.

Submissions (2):

Ambry Genetics
Classification: Uncertain significance for Inborn genetic diseases. Last evaluated: 2025-06-16. Review status: criteria provided, single submitter. Criteria: Ambry Variant Classification Scheme 2023. Collection method: clinical testing. Allele origin: germline.

Labcorp Genetics (formerly Invitae), Labcorp
Classification: Uncertain significance. Last evaluated: 2022-04-04. Review status: criteria provided, single submitter. Criteria: Invitae Variant Classification Sherloc (09022015). Collection method: clinical testing. Allele origin: germline.
Comment: In summary, the available evidence is currently insufficient to determine the role of this variant in disease. Therefore, it has been classified as a Variant of Uncertain Significance. Algorithms developed to predict the effect of missense changes on protein structure and function output the following: SIFT: "Deleterious"; PolyPhen-2: "Benign"; Align-GVGD: "Class C25". The histidine amino acid residue is found in multiple mammalian species, which suggests that this missense change does not adversely affect protein function. This variant has not been reported in the literature in individuals affected with FAT1-related conditions. This variant is present in population databases (rs766902640, gnomAD 0.03%). This sequence change replaces arginine, which is basic and polar, with histidine, which is basic and polar, at codon 3773 of the FAT1 protein (p.Arg3773His).